The following is an entry in ClinVar:

ClinVar aggregate classification (germline): Uncertain significance (1 of 4 stars; one submission).

Conditions:
Neurofibromatosis, type 2 (SWNV). Also called: SCHWANNOMATOSIS, VESTIBULAR; BILATERAL ACOUSTIC NEUROFIBROMATOSIS; NF2-Related Schwannomatosis. Identifiers: Orphanet 637, MedGen C0027832, MONDO:0007039, OMIM 101000. Disease mechanism: loss of function.

Submission:

Labcorp Genetics (formerly Invitae), Labcorp
Classification: Uncertain significance for Neurofibromatosis, type 2. Last evaluated: 2024-06-12. Review status: criteria provided, single submitter. Criteria: Invitae Variant Classification Sherloc (09022015). Collection method: clinical testing. Allele origin: germline.
Comment: This sequence change replaces leucine, which is neutral and non-polar, with phenylalanine, which is neutral and non-polar, at codon 472 of the NF2 protein (p.Leu472Phe). This variant is not present in population databases (gnomAD no frequency). This variant has not been reported in the literature in individuals affected with NF2-related conditions. ClinVar contains an entry for this variant (Variation ID: 1514091). Advanced modeling of protein sequence and biophysical properties (such as structural, functional, and spatial information, amino acid conservation, physicochemical variation, residue mobility, and thermodynamic stability) performed at Invitae indicates that this missense variant is not expected to disrupt NF2 protein function with a negative predictive value of 80%. In summary, the available evidence is currently insufficient to determine the role of this variant in disease. Therefore, it has been classified as a Variant of Uncertain Significance.

NM_000268.4(NF2):c.1414C>T (p.Leu472Phe)

Gene: NF2 (NF2, moesin-ezrin-radixin like (MERLIN) tumor suppressor; plus strand). Cytogenetic location: 22q12.2.
Variant type: single nucleotide variant.
Coding change: c.1414C>T on transcript NM_000268.4 (MANE Select); coding-DNA position 1414, C replaced by T.
Protein change: p.Leu472Phe; replaces leucine 472 with phenylalanine.
Molecular consequence: missense variant. On other transcripts: non-coding transcript variant (1), intron variant (1).
Genome position (GRCh38, 1-based): chr22:29,674,909, C>T. VCF-style: chr22-29674909-C-T. GRCh37 (hg19) VCF-style: chr22-30070898-C-T.
Other names: c.1414C>T, p.Leu472Phe (NM_016418.5, NM_181825.3, NM_181832.3); c.1288C>T, p.Leu430Phe (NM_181828.3); c.1291C>T, p.Leu431Phe (NM_181829.3); c.1165C>T, p.Leu389Phe (NM_181830.3, NM_181831.3); c.448-19843C>T (NM_181833.3); short protein forms L472F, L389F, L430F, L431F.
Identifiers: ClinVar variation 1514091 (VCV001514091.8), dbSNP rs2147093380, ClinGen allele CA411149127.
Genomic context (GRCh38, chr22:29,674,909, plus strand): 5'-GATCAGCTGAAGCAGGACCTGCAGGAAGCACGCGAGGCGGAGCGAAGAGCCAAGCAGAAG[C>T]TCCTGGAGATTGCCACCAAGCCCACGTACCCGGTGAGCCTGGGGGCCACCAGCTGGGGCT-3'
Protein context (NP_000259.1, residues 462-482): REAERRAKQK[Leu472Phe]LEIATKPTYP